The following is an entry in ClinVar:

NM_000088.4(COL1A1):c.2559T>A (p.Ile853=)

Gene: COL1A1 (collagen type I alpha 1 chain; minus strand). Cytogenetic location: 17q21.33.
Variant type: single nucleotide variant.
Coding change: c.2559T>A on transcript NM_000088.4 (MANE Select); coding-DNA position 2559, T replaced by A.
Protein change: p.Ile853=; no amino-acid change (isoleucine 853 retained).
Molecular consequence: synonymous variant.
Genome position (GRCh38, 1-based): chr17:50,190,001, A>T on the plus strand (T>A on the coding strand, the complement: COL1A1 is on the minus strand). VCF-style: chr17-50190001-A-T. GRCh37 (hg19) VCF-style: chr17-48267362-A-T.
Identifiers: ClinVar variation 392061 (VCV000392061.7), dbSNP rs764910205, ClinGen allele CA8644775.

ClinVar aggregate classification (germline): Conflicting classifications of pathogenicity. Review status: criteria provided, conflicting classifications (1 of 4 stars). 3 submissions from 3 submitters: Uncertain significance (1); Likely benign (2). Last evaluated 2025-11-06.

Conditions:
Osteogenesis imperfecta type I (OI1). Also called: Lobstein's Disease; Lobstein disease; OI, TYPE I; OSTEOGENESIS IMPERFECTA TARDA; OSTEOGENESIS IMPERFECTA WITH BLUE SCLERAE; Osteogenesis imperfecta type 1. Identifiers: Orphanet 216796, Orphanet 666, MedGen C0023931, MONDO:0008146, OMIM 166200. Disease mechanism: loss of function.

Allele frequency attached by ClinVar (database versions not stated): gnomAD exomes below 0.00001; TOPMed below 0.00001; ExAC 0.00001.

Submissions (3):

Labcorp Genetics (formerly Invitae), Labcorp
Classification: Uncertain significance for Osteogenesis imperfecta type I. Last evaluated: 2025-11-06. Review status: criteria provided, single submitter. Criteria: Invitae Variant Classification Sherloc (09022015). Collection method: clinical testing. Allele origin: germline.
Comment: This sequence change affects codon 853 of the COL1A1 mRNA. It is a 'silent' change, meaning that it does not change the encoded amino acid sequence of the COL1A1 protein. It affects a nucleotide within the consensus splice site. This variant is present in population databases (rs764910205, gnomAD 0.0009%). This variant has not been reported in the literature in individuals affected with COL1A1-related conditions. ClinVar contains an entry for this variant (Variation ID: 392061). Algorithms developed to predict the effect of sequence changes on RNA splicing suggest that this variant is not likely to affect RNA splicing. In summary, the available evidence is currently insufficient to determine the role of this variant in disease. Therefore, it has been classified as a Variant of Uncertain Significance.

Blueprint Genetics
Classification: Likely benign. Last evaluated: 2022-04-13. Review status: criteria provided, single submitter. Criteria: ACMG Guidelines, 2015. Collection method: clinical testing. Allele origin: germline.

GeneDx
Classification: Likely benign. Last evaluated: 2016-12-22. Review status: criteria provided, single submitter. Criteria: GeneDx Variant Classification (06012015). Collection method: clinical testing. Allele origin: germline. Affected: yes.
Comment: This variant is considered likely benign or benign based on one or more of the following criteria: it is a conservative change, it occurs at a poorly conserved position in the protein, it is predicted to be benign by multiple in silico algorithms, and/or has population frequency not consistent with disease.